The following is an entry in ClinVar:

ClinVar aggregate classification (germline): Uncertain significance (1 of 4 stars; one submission).

Submission:

Women's Health and Genetics/Laboratory Corporation of America, LabCorp
Classification: Uncertain significance. Last evaluated: 2025-05-13. Review status: criteria provided, single submitter. Criteria: LabCorp Variant Classification Summary - May 2015. Collection method: clinical testing. Allele origin: germline.
Comment: Variant summary: DMXL2 c.8278A>G (p.Lys2760Glu) results in a conservative amino acid change in the encoded protein sequence. Algorithms developed to predict the effect of missense changes on protein structure and function are either unavailable or do not agree on the potential impact of this missense change. The variant was absent in 224322 control chromosomes. The available data on variant occurrences in the general population are insufficient to allow any conclusion about variant significance. To our knowledge, no occurrence of c.8278A>G in individuals affected with DMXL2-Related Disorders and no experimental evidence demonstrating its impact on protein function have been reported. No submitters have cited clinical-significance assessments for this variant to ClinVar. Based on the evidence outlined above, the variant was classified as uncertain significance.

NM_001378457.1(DMXL2):c.8344A>G (p.Lys2782Glu)

Gene: DMXL2 (Dmx like 2; minus strand). Cytogenetic location: 15q21.2.
Variant type: single nucleotide variant.
Coding change: c.8344A>G on transcript NM_001378457.1 (MANE Select); coding-DNA position 8344, A replaced by G.
Protein change: p.Lys2782Glu; replaces lysine 2782 with glutamic acid.
Molecular consequence: missense variant. On other transcripts: non-coding transcript variant (2).
Genome position (GRCh38, 1-based): chr15:51,456,363, T>C on the plus strand (A>G on the coding strand, the complement: DMXL2 is on the minus strand). VCF-style: chr15-51456363-T-C. GRCh37 (hg19) VCF-style: chr15-51748560-T-C.
Other names: c.8281A>G, p.Lys2761Glu (NM_001174116.3); c.6370A>G, p.Lys2124Glu (NM_001174117.3); c.8341A>G, p.Lys2781Glu (NM_001378458.1); c.8056A>G, p.Lys2686Glu (NM_001378459.1); c.6259A>G, p.Lys2087Glu (NM_001378460.1); c.8278A>G, p.Lys2760Glu (NM_015263.5); short protein forms K2087E, K2124E, K2686E, K2760E, K2761E, K2781E, K2782E.
Identifiers: ClinVar variation 3902246 (VCV003902246.1).